The following is an entry in ClinVar:

NM_002016.2(FLG):c.3680G>T (p.Gly1227Val)

Genes: CCDST (cervical cancer associated DHX9 suppressive transcript; plus strand), FLG (filaggrin; minus strand). Cytogenetic location: 1q21.3.
Variant type: single nucleotide variant.
Coding change: c.3680G>T on transcript NM_002016.2 (MANE Select); coding-DNA position 3680, G replaced by T.
Protein change: p.Gly1227Val; replaces glycine 1227 with valine.
Molecular consequence: missense variant.
Genome position (GRCh38, 1-based): chr1:152,311,206, C>A on the plus strand (G>T on the coding strand, the complement: FLG is on the minus strand). VCF-style: chr1-152311206-C-A. GRCh37 (hg19) VCF-style: chr1-152283682-C-A.
Other names: short protein forms G1227V.
Identifiers: ClinVar variation 4872207 (VCV004872207.2).

ClinVar aggregate classification (germline): Uncertain significance (1 of 4 stars; one submission).

gnomAD v4.1: 7 of 1,613,768 alleles (0.00043%); highest among the groups gnomAD compares: Middle Eastern, 0.017%; no homozygotes.

Submission:

CeGaT Center for Human Genetics Tuebingen
Classification: Uncertain significance. Last evaluated: 2026-04-01. Review status: criteria provided, single submitter. Criteria: CeGaT Center For Human Genetics Tuebingen Variant Classification Criteria Version 2. Collection method: clinical testing. Allele origin: germline. Affected: yes. Observed: 1 variant allele.
Comment: FLG: PM2, BP4